The following is an entry in ClinVar:

ClinVar aggregate classification (germline): Uncertain significance (1 of 4 stars; one submission).

Conditions:
Spondylocostal dysostosis 3, autosomal recessive (SCDO3). Also called: LFNG-Related Spondylocostal Dysostosis, Autosomal Recessive. Identifiers: Orphanet 2311, MedGen C1853296, MONDO:0012349, OMIM 609813.

Submission:

Labcorp Genetics (formerly Invitae), Labcorp
Classification: Uncertain significance for Spondylocostal dysostosis 3, autosomal recessive. Last evaluated: 2020-08-08. Review status: criteria provided, single submitter. Criteria: Invitae Variant Classification Sherloc (09022015). Collection method: clinical testing. Allele origin: germline.
Comment: In summary, the available evidence is currently insufficient to determine the role of this variant in disease. Therefore, it has been classified as a Variant of Uncertain Significance. Algorithms developed to predict the effect of missense changes on protein structure and function output the following: SIFT: "Tolerated"; PolyPhen-2: "Benign"; Align-GVGD: "Class C0". The alanine amino acid residue is found in multiple mammalian species, suggesting that this missense change does not adversely affect protein function. These predictions have not been confirmed by published functional studies and their clinical significance is uncertain. This variant has not been reported in the literature in individuals with LFNG-related conditions. This variant is not present in population databases (ExAC no frequency). This sequence change replaces proline with alanine at codon 103 of the LFNG protein (p.Pro103Ala). The proline residue is weakly conserved and there is a small physicochemical difference between proline and alanine.

NM_001040167.2(LFNG):c.307C>G (p.Pro103Ala)

Gene: LFNG (LFNG O-fucosylpeptide 3-beta-N-acetylglucosaminyltransferase; plus strand). Cytogenetic location: 7p22.3.
Variant type: single nucleotide variant.
Coding change: c.307C>G on transcript NM_001040167.2 (MANE Select); coding-DNA position 307, C replaced by G.
Protein change: p.Pro103Ala; replaces proline 103 with alanine.
Molecular consequence: missense variant. On other transcripts: intron variant (2).
Genome position (GRCh38, 1-based): chr7:2,520,168, C>G. VCF-style: chr7-2520168-C-G. GRCh37 (hg19) VCF-style: chr7-2559802-C-G.
Other names: c.307C>G, p.Pro103Ala (NM_001040168.2); c.220-4527C>G (NM_001166355.2); c.45+1570C>G (NM_002304.3); short protein forms P103A.
Identifiers: ClinVar variation 1018847 (VCV001018847.7), dbSNP rs778333281, ClinGen allele CA366613688.